The following is an entry in ClinVar:

NM_144666.3(DNHD1):c.2249T>C (p.Leu750Pro)

Gene: DNHD1 (dynein heavy chain domain 1; plus strand). Cytogenetic location: 11p15.4.
Variant type: single nucleotide variant.
Coding change: c.2249T>C on transcript NM_144666.3 (MANE Select); coding-DNA position 2249, T replaced by C.
Protein change: p.Leu750Pro; replaces leucine 750 with proline.
Molecular consequence: missense variant.
Genome position (GRCh38, 1-based): chr11:6,529,023, T>C. VCF-style: chr11-6529023-T-C. GRCh37 (hg19) VCF-style: chr11-6550253-T-C.
Other names: short protein forms L750P.
Identifiers: ClinVar variation 4853822 (VCV004853822.1).

ClinVar aggregate classification (germline): Likely pathogenic (1 of 4 stars; one submission).

Conditions:
Spermatogenic failure 65 (SPGF65). Identifiers: MedGen C5562067, MONDO:0030531, OMIM 619712.

Submission:

EVOGEN
Classification: Likely pathogenic for Spermatogenic failure 65. Review status: criteria provided, single submitter. Criteria: ACMG Guidelines, 2015. Collection method: clinical testing. Allele origin: germline. Inheritance: Autosomal recessive inheritance. Affected: yes.
Comment: PM2: Variant not found in gnomAD genomes, good gnomAD genomes coverage = 33.3. PP3: AlphaMissense = 0.88 is between 0.787 and 0.956 ⇒ supporting pathogenic.